The following is an entry in ClinVar:

ClinVar aggregate classification (germline): Uncertain significance (1 of 4 stars; one submission).

Allele frequency attached by ClinVar (database versions not stated): gnomAD exomes below 0.00001; gnomAD 0.00001; TOPMed 0.00001.

Submission:

Labcorp Genetics (formerly Invitae), Labcorp
Classification: Uncertain significance. Last evaluated: 2023-12-19. Review status: criteria provided, single submitter. Criteria: Invitae Variant Classification Sherloc (09022015). Collection method: clinical testing. Allele origin: germline.
Comment: This sequence change replaces valine, which is neutral and non-polar, with alanine, which is neutral and non-polar, at codon 240 of the CARD8 protein (p.Val240Ala). This variant is present in population databases (no rsID available, gnomAD 0.008%). This variant has not been reported in the literature in individuals affected with CARD8-related conditions. An algorithm developed to predict the effect of missense changes on protein structure and function (PolyPhen-2) suggests that this variant is likely to be disruptive. In summary, the available evidence is currently insufficient to determine the role of this variant in disease. Therefore, it has been classified as a Variant of Uncertain Significance.

NM_001184900.3(CARD8):c.869T>C (p.Val290Ala)

Gene: CARD8 (caspase recruitment domain family member 8; minus strand). Cytogenetic location: 19q13.33.
Variant type: single nucleotide variant.
Coding change: c.869T>C on transcript NM_001184900.3 (MANE Select); coding-DNA position 869, T replaced by C.
Protein change: p.Val290Ala; replaces valine 290 with alanine.
Molecular consequence: missense variant. On other transcripts: non-coding transcript variant (4).
Genome position (GRCh38, 1-based): chr19:48,230,604, A>G on the plus strand (T>C on the coding strand, the complement: CARD8 is on the minus strand). VCF-style: chr19-48230604-A-G. GRCh37 (hg19) VCF-style: chr19-48733861-A-G.
Other names: c.719T>C, p.Val240Ala (NM_001184901.1, NM_001351783.2, NM_001351788.2 and 2 more transcripts); c.869T>C, p.Val290Ala (NM_001184902.2, NM_001184903.1, NM_001351782.2); c.554T>C, p.Val185Ala (NM_001351784.2, NM_001351787.2, NM_001351791.2 and 1 more transcripts); c.533T>C, p.Val178Ala (NM_001351786.2); c.626T>C, p.Val209Ala (NM_001351790.2); c.551T>C, p.Val184Ala (NM_001365950.1); c.44T>C, p.Val15Ala (NM_001426741.1); short protein forms V178A, V240A, V184A, V15A, V185A, V290A, V209A.
Identifiers: ClinVar variation 2793548 (VCV002793548.3), dbSNP rs1296336246, ClinGen allele CA406643954.